The following is an entry in ClinVar:

ClinVar aggregate classification (germline): Uncertain significance (1 of 4 stars; one submission).

Conditions:
Cardiovascular phenotype. Identifiers: MedGen CN230736.

gnomAD v4.1: 1 of 1,614,146 alleles (0.000062%); highest among the groups gnomAD compares: South Asian, 0.0011%; no homozygotes.

Submission:

Ambry Genetics
Classification: Uncertain significance for Cardiovascular phenotype. Last evaluated: 2025-07-09. Review status: criteria provided, single submitter. Criteria: Ambry Variant Classification Scheme 2023. Collection method: clinical testing. Allele origin: germline.
Comment: The p.S1017A variant (also known as c.3049T>G) is located in coding exon 25 of the JAG1 gene. The serine at codon 1017 is replaced by alanine, an amino acid with similar properties. This change occurs in the first base pair of coding exon 25. This amino acid position is conserved. In addition, the in silico prediction for this alteration is inconclusive. Based on the available evidence, the clinical significance of this variant remains unclear.

NM_000214.3(JAG1):c.3049T>G (p.Ser1017Ala)

Gene: JAG1 (jagged canonical Notch ligand 1; minus strand). Cytogenetic location: 20p12.2.
Variant type: single nucleotide variant.
Coding change: c.3049T>G on transcript NM_000214.3 (MANE Select); coding-DNA position 3049, T replaced by G.
Protein change: p.Ser1017Ala; replaces serine 1017 with alanine.
Molecular consequence: missense variant.
Genome position (GRCh38, 1-based): chr20:10,640,933, A>C on the plus strand (T>G on the coding strand, the complement: JAG1 is on the minus strand). VCF-style: chr20-10640933-A-C. GRCh37 (hg19) VCF-style: chr20-10621581-A-C.
Other names: short protein forms S1017A.
Identifiers: ClinVar variation 4089127 (VCV004089127.1).